The following is an entry in ClinVar:

ClinVar aggregate classification (germline): Uncertain significance. Review status: criteria provided, multiple submitters, no conflicts (2 of 4 stars). 5 submissions from 5 submitters: Uncertain significance (5). Last evaluated 2025-08-11.

Conditions:
Inborn genetic diseases. Identifiers: MedGen C0950123, MeSH D030342.

Allele frequency attached by ClinVar (database versions not stated): ExAC 0.00002; gnomAD 0.00004; TOPMed 0.00005; ESP Exome Variant Server 0.00008.
gnomAD v4.1: 223 of 1,613,596 alleles (0.014%); highest among the groups gnomAD compares: Non-Finnish European, 0.018%; no homozygotes.

Submissions (5):

Labcorp Genetics (formerly Invitae), Labcorp
Classification: Uncertain significance. Last evaluated: 2025-08-11. Review status: criteria provided, single submitter. Criteria: Invitae Variant Classification Sherloc (09022015). Collection method: clinical testing. Allele origin: germline.
Comment: This sequence change replaces arginine, which is basic and polar, with glutamine, which is neutral and polar, at codon 355 of the ABHD12 protein (p.Arg355Gln). This variant is present in population databases (rs376953929, gnomAD 0.008%). This variant has not been reported in the literature in individuals affected with ABHD12-related conditions. ClinVar contains an entry for this variant (Variation ID: 499495). An algorithm developed to predict the effect of missense changes on protein structure and function (PolyPhen-2) suggests that this variant is likely to be tolerated. In summary, the available evidence is currently insufficient to determine the role of this variant in disease. Therefore, it has been classified as a Variant of Uncertain Significance.

Ambry Genetics
Classification: Uncertain significance for Inborn genetic diseases. Last evaluated: 2025-06-19. Review status: criteria provided, single submitter. Criteria: Ambry Variant Classification Scheme 2023. Collection method: clinical testing. Allele origin: germline.

GeneDx
Classification: Uncertain significance. Last evaluated: 2024-05-30. Review status: criteria provided, single submitter. Criteria: GeneDx Variant Classification Process June 2021. Collection method: clinical testing. Allele origin: germline. Affected: yes.
Comment: Not observed at significant frequency in large population cohorts (gnomAD); In silico analysis indicates that this missense variant does not alter protein structure/function; Has not been previously published as pathogenic or benign to our knowledge

Blueprint Genetics
Classification: Uncertain significance. Last evaluated: 2024-05-03. Review status: criteria provided, single submitter. Criteria: ACMG Guidelines, 2015. Collection method: clinical testing. Allele origin: germline.

Eurofins Ntd Llc (ga)
Classification: Uncertain significance. Last evaluated: 2017-01-17. Review status: criteria provided, single submitter. Criteria: EGL Classification Definitions 2015. Collection method: clinical testing. Allele origin: germline. Observed: 1 variant allele, 1 heterozygote.

NM_001042472.3(ABHD12):c.1064G>A (p.Arg355Gln)

Gene: ABHD12 (abhydrolase domain containing 12, lysophospholipase; minus strand). Cytogenetic location: 20p11.21.
Variant type: single nucleotide variant.
Coding change: c.1064G>A on transcript NM_001042472.3 (MANE Select); coding-DNA position 1064, G replaced by A.
Protein change: p.Arg355Gln; replaces arginine 355 with glutamine.
Molecular consequence: missense variant.
Genome position (GRCh38, 1-based): chr20:25,302,312, C>T on the plus strand (G>A on the coding strand, the complement: ABHD12 is on the minus strand). VCF-style: chr20-25302312-C-T. GRCh37 (hg19) VCF-style: chr20-25282948-C-T.
Other names: c.1064G>A, p.Arg355Gln (NM_015600.5); c.1064G>A (NM_001042472.2); short protein forms R355Q.
Identifiers: ClinVar variation 499495 (VCV000499495.12), dbSNP rs376953929, ClinGen allele CA9795832.